The following is an entry in ClinVar:

ClinVar aggregate classification (germline): Uncertain significance (1 of 4 stars; one submission).

Conditions:
Inborn genetic diseases. Identifiers: MedGen C0950123, MeSH D030342.

Submission:

Ambry Genetics
Classification: Uncertain significance for Inborn genetic diseases. Last evaluated: 2025-08-14. Review status: criteria provided, single submitter. Criteria: Ambry Variant Classification Scheme 2023. Collection method: clinical testing. Allele origin: germline.
Comment: The p.M137R variant (also known as c.410T>G), located in coding exon 3 of the SBDS gene, results from a T to G substitution at nucleotide position 410. The methionine at codon 137 is replaced by arginine, an amino acid with similar properties. This amino acid position is conserved. In addition, this alteration is predicted to be deleterious by in silico analysis. Based on the available evidence, the clinical significance of this variant remains unclear.

NM_016038.4(SBDS):c.410T>G (p.Met137Arg)

Gene: SBDS (SBDS ribosome maturation factor; minus strand). Cytogenetic location: 7q11.21.
Variant type: single nucleotide variant.
Coding change: c.410T>G on transcript NM_016038.4 (MANE Select); coding-DNA position 410, T replaced by G.
Protein change: p.Met137Arg; replaces methionine 137 with arginine.
Molecular consequence: missense variant.
Genome position (GRCh38, 1-based): chr7:66,993,266, A>C on the plus strand (T>G on the coding strand, the complement: SBDS is on the minus strand). VCF-style: chr7-66993266-A-C. GRCh37 (hg19) VCF-style: chr7-66458253-A-C.
Other names: short protein forms M137R.
Identifiers: ClinVar variation 4159824 (VCV004159824.1).